The following is an entry in ClinVar:

ClinVar aggregate classification (germline): Uncertain significance (1 of 4 stars; one submission).

Submission:

Dasa
Classification: Uncertain significance. Last evaluated: 2025-02-27. Review status: criteria provided, single submitter. Criteria: DASA Assertion Criteria. Collection method: clinical testing. Allele origin: germline.
Comment: NM_001394062.1(MACF1):c.2481+4G>A is a splice-region variant. This variant is absent from population databases. Computational prediction algorithms are consistent with a benign effect. The currently available literature and clinical evidence are not sufficient to establish a definitive association between this variant and the reported condition. Therefore, this variant is classified as a variant of uncertain significance.

NM_001394062.1(MACF1):c.2481+4G>A

Gene: MACF1 (microtubule actin crosslinking factor 1; plus strand). Cytogenetic location: 1p34.3.
Variant type: single nucleotide variant.
Coding change: c.2481+4G>A on transcript NM_001394062.1 (MANE Select); 4 bases into the intron after coding-DNA position 2481, G replaced by A.
Molecular consequence: intron variant.
Genome position (GRCh38, 1-based): chr1:39,297,749, G>A. VCF-style: chr1-39297749-G-A. GRCh37 (hg19) VCF-style: chr1-39763421-G-A.
Other names: c.2496+4G>A (NM_012090.5).
Identifiers: ClinVar variation 4881741 (VCV004881741.2).